The following is an entry in ClinVar:

NM_001122955.4(BSCL2):c.963G>A (p.Trp321Ter)

Genes: BSCL2 (BSCL2 lipid droplet biogenesis associated, seipin; minus strand), HNRNPUL2-BSCL2 (HNRNPUL2-BSCL2 readthrough (NMD candidate); minus strand). Cytogenetic location: 11q12.3.
Variant type: single nucleotide variant.
Coding change: c.963G>A on transcript NM_001122955.4 (MANE Select); coding-DNA position 963, G replaced by A.
Protein change: p.Trp321Ter; replaces tryptophan 321 with a stop codon.
Molecular consequence: nonsense. On other transcripts: non-coding transcript variant (1), intron variant (1).
Genome position (GRCh38, 1-based): chr11:62,691,322, C>T on the plus strand (G>A on the coding strand, the complement: BSCL2 is on the minus strand). VCF-style: chr11-62691322-C-T. GRCh37 (hg19) VCF-style: chr11-62458794-C-T.
Other names: c.963G>A, p.Trp321Ter (NM_001386027.1, NM_001386028.1); c.771G>A, p.Trp257Ter (NM_032667.6); c.672-181G>A (NM_001130702.2); short protein forms W257*, W321*.
Identifiers: ClinVar variation 3658282 (VCV003658282.2).

ClinVar aggregate classification (germline): Pathogenic (1 of 4 stars; one submission).

Conditions:
Charcot-Marie-Tooth disease type 2. Also called: Charcot-Marie-Tooth type 2. Identifiers: Orphanet 64746, MedGen C0270914, MONDO:0018993.

Submission:

Labcorp Genetics (formerly Invitae), Labcorp
Classification: Pathogenic for Charcot-Marie-Tooth disease type 2. Last evaluated: 2024-06-30. Review status: criteria provided, single submitter. Criteria: Invitae Variant Classification Sherloc (09022015). Collection method: clinical testing. Allele origin: germline.
Comment: This sequence change creates a premature translational stop signal (p.Trp257*) in the BSCL2 gene. It is expected to result in an absent or disrupted protein product. Loss-of-function variants in BSCL2 are known to be pathogenic (PMID: 11479539, 23564749). This variant is not present in population databases (gnomAD no frequency). This variant has not been reported in the literature in individuals affected with BSCL2-related conditions. Algorithms developed to predict the effect of sequence changes on RNA splicing suggest that this variant may disrupt the consensus splice site. For these reasons, this variant has been classified as Pathogenic.

Literature cited by the submitters: PubMed 11479539; PubMed 23564749.